The following is an entry in ClinVar:

ClinVar aggregate classification (germline): Likely pathogenic (1 of 4 stars; one submission).

Conditions:
Mucolipidosis type II. Also called: ML II ALPHA/BETA; Mucolipidosis 2; ML 2; Inclusion cell disease; Leroy Disease; N-acetylglucosamine 1phosphotransferase deficiency. Identifiers: Orphanet 576, MedGen C2673377, MONDO:0009650, OMIM 252500.

Submission:

Natera, Inc.
Classification: Likely pathogenic for Mucolipidosis type II. Last evaluated: 2025-04-14. Review status: criteria provided, single submitter. Criteria: Natera Variant Classification Schema (03/2026). Collection method: clinical testing. Allele origin: germline.
Comment: The c.1011dup variant in GNPTAB is a frameshift variant predicted to shift the reading frame beginning at codon 338 and leads to a stop codon 24 codons downstream. This variant is expected to result in nonsense mediated decay, truncation, or a dysfunctional protein product. This variant is rare in the general population with a frequency below the threshold expected for the associated phenotype(s). Given the available evidence, this variant is classified as Likely Pathogenic.

NM_024312.5(GNPTAB):c.1011dup (p.Arg338fs)

Gene: GNPTAB (N-acetylglucosamine-1-phosphate transferase subunits alpha and beta; minus strand). Cytogenetic location: 12q23.2.
Variant type: Duplication.
Coding change: c.1011dup on transcript NM_024312.5 (MANE Select); coding-DNA position 1011, one base duplicated (G; older notation c.1011dupG).
Protein change: p.Arg338fs; shifts the reading frame from arginine 338.
Molecular consequence: frameshift variant.
Genome position (GRCh38, 1-based): chr12:101,770,508, C duplicated on the plus strand (G on the coding strand, the reverse complement: GNPTAB is on the minus strand). VCF-style (leftmost placement, unchanged base first): chr12-101770507-T-TC. GRCh37 (hg19) VCF-style: chr12-102164285-T-TC.
Other names: short protein forms R338fs.
Identifiers: ClinVar variation 4068829 (VCV004068829.2).